The following is an entry in ClinVar:

NM_001346754.2(PIGW):c.606_608del (p.Leu203del)

Genes: MYO19 (myosin XIX; minus strand), PIGW (phosphatidylinositol glycan anchor biosynthesis class W; plus strand). Cytogenetic location: 17q12.
Variant type: Deletion.
Coding change: c.606_608del on transcript NM_001346754.2 (MANE Select); coding-DNA positions 606 to 608, 3 bases deleted (ATT; older notation c.606_608delATT).
Protein change: p.Leu203del; deletes leucine 203.
Molecular consequence: inframe deletion.
Genome position (GRCh38, 1-based): chr17:36,537,707-36,537,709, ATT deleted. VCF-style (leftmost placement, unchanged base first): chr17-36537706-CATT-C. GRCh37 (hg19) VCF-style: chr17-34893555-CATT-C.
Other names: c.606_608del, p.Leu203del (NM_001346755.2, NM_178517.5); short protein forms L203del.
Identifiers: ClinVar variation 1467476 (VCV001467476.8), dbSNP rs2074161776, ClinGen allele CA2258004683.

ClinVar aggregate classification (germline): Uncertain significance (1 of 4 stars; one submission).

Conditions:
Hyperphosphatasia with intellectual disability syndrome 5 (GPIBD11). Also called: GLYCOSYLPHOSPHATIDYLINOSITOL BIOSYNTHESIS DEFECT 11. Identifiers: Orphanet 247262, MedGen C4014958, MONDO:0014457, OMIM 616025.

Allele frequency attached by ClinVar (database versions not stated): gnomAD exomes below 0.00001.

Submission:

Labcorp Genetics (formerly Invitae), Labcorp
Classification: Uncertain significance for Hyperphosphatasia with intellectual disability syndrome 5. Last evaluated: 2020-12-05. Review status: criteria provided, single submitter. Criteria: Invitae Variant Classification Sherloc (09022015). Collection method: clinical testing. Allele origin: germline.
Comment: This variant, c.606_608del, results in the deletion of 1 amino acid(s) of the PIGW protein (p.Leu203del), but otherwise preserves the integrity of the reading frame. This variant is not present in population databases (ExAC no frequency). This variant has not been reported in the literature in individuals with PIGW-related conditions. Experimental studies and prediction algorithms are not available or were not evaluated, and the functional significance of this variant is currently unknown. In summary, the available evidence is currently insufficient to determine the role of this variant in disease. Therefore, it has been classified as a Variant of Uncertain Significance.